The following is an entry in ClinVar:

NM_005431.2(XRCC2):c.104A>G (p.Glu35Gly)

Gene: XRCC2 (X-ray repair cross complementing 2; minus strand). Cytogenetic location: 7q36.1.
Variant type: single nucleotide variant.
Coding change: c.104A>G on transcript NM_005431.2 (MANE Select); coding-DNA position 104, A replaced by G.
Protein change: p.Glu35Gly; replaces glutamic acid 35 with glycine.
Molecular consequence: missense variant.
Genome position (GRCh38, 1-based): chr7:152,660,718, T>C on the plus strand (A>G on the coding strand, the complement: XRCC2 is on the minus strand). VCF-style: chr7-152660718-T-C. GRCh37 (hg19) VCF-style: chr7-152357803-T-C.
Other names: short protein forms E35G.
Identifiers: ClinVar variation 3471444 (VCV003471444.1).
Genomic context (GRCh38, chr7:152,660,718, plus strand): 5'-TATAAAGATTTGCATTTATTTATATAAAGGTTGTATTTTTTACCATGCACAGGTGAATCT[T>C]CATCAGCAAACAGATTTGGTTCTATTTCTTTCAAGGAACTTCTACCTTCAAGTCGGGCAA-3'
Protein context (NP_005422.1, residues 25-45): KEIEPNLFAD[Glu35Gly]DSPVHGDILE

ClinVar aggregate classification (germline): Uncertain significance (1 of 4 stars; one submission).

Conditions:
Hereditary cancer-predisposing syndrome. Also called: Tumor predisposition; Neoplastic Syndromes, Hereditary; Hereditary neoplastic syndrome; Hereditary Cancer Syndrome. Identifiers: Orphanet 140162, MedGen C0027672, MeSH D009386, MONDO:0015356.

gnomAD v4.1: 1 of 1,613,360 alleles (0.000062%); highest among the groups gnomAD compares: South Asian, 0.0011%; no homozygotes.

Submission:

Ambry Genetics
Classification: Uncertain significance for Hereditary cancer-predisposing syndrome. Last evaluated: 2024-11-23. Review status: criteria provided, single submitter. Criteria: Ambry Variant Classification Scheme 2023. Collection method: clinical testing. Allele origin: germline.
Comment: The p.E35G variant (also known as c.104A>G), located in coding exon 2 of the XRCC2 gene, results from an A to G substitution at nucleotide position 104. The glutamic acid at codon 35 is replaced by glycine, an amino acid with similar properties. This amino acid position is conserved. In addition, the in silico prediction for this alteration is inconclusive. Based on the available evidence, the clinical significance of this variant remains unclear.